The following is an entry in ClinVar:

NM_003722.5(TP63):c.125A>T (p.Gln42Leu)

Gene: TP63 (tumor protein p63; plus strand). Cytogenetic location: 3q28.
Variant type: single nucleotide variant.
Coding change: c.125A>T on transcript NM_003722.5 (MANE Select); coding-DNA position 125, A replaced by T.
Protein change: p.Gln42Leu; replaces glutamine 42 with leucine.
Molecular consequence: missense variant.
Genome position (GRCh38, 1-based): chr3:189,737,802, A>T. VCF-style: chr3-189737802-A-T. GRCh37 (hg19) VCF-style: chr3-189455591-A-T.
Other names: c.125A>T, p.Gln42Leu (NM_001114978.2, NM_001114979.2, NM_001329144.2 and 1 more transcripts); c.119A>T, p.Gln40Leu (NM_001329964.2); short protein forms Q40L, Q42L.
Identifiers: ClinVar variation 1488789 (VCV001488789.7), dbSNP rs2108795564, ClinGen allele CA355858904.

ClinVar aggregate classification (germline): Uncertain significance (1 of 4 stars; one submission).

Conditions:
TP63-Related Spectrum Disorders.

Submission:

Labcorp Genetics (formerly Invitae), Labcorp
Classification: Uncertain significance. Last evaluated: 2024-10-22. Review status: criteria provided, single submitter. Criteria: Invitae Variant Classification Sherloc (09022015). Collection method: clinical testing. Allele origin: germline.
Comment: This sequence change replaces glutamine, which is neutral and polar, with leucine, which is neutral and non-polar, at codon 42 of the TP63 protein (p.Gln42Leu). This variant is not present in population databases (gnomAD no frequency). This variant has not been reported in the literature in individuals affected with TP63-related conditions. ClinVar contains an entry for this variant (Variation ID: 1488789). Invitae Evidence Modeling of protein sequence and biophysical properties (such as structural, functional, and spatial information, amino acid conservation, physicochemical variation, residue mobility, and thermodynamic stability) indicates that this missense variant is not expected to disrupt TP63 protein function with a negative predictive value of 80%. In summary, the available evidence is currently insufficient to determine the role of this variant in disease. Therefore, it has been classified as a Variant of Uncertain Significance.